The following is an entry in ClinVar:

NM_016204.4(GDF2):c.265A>C (p.Met89Leu)

Gene: GDF2 (growth differentiation factor 2; plus strand). Cytogenetic location: 10q11.22.
Variant type: single nucleotide variant.
Coding change: c.265A>C on transcript NM_016204.4 (MANE Select); coding-DNA position 265, A replaced by C.
Protein change: p.Met89Leu; replaces methionine 89 with leucine.
Molecular consequence: missense variant.
Genome position (GRCh38, 1-based): chr10:47,322,933, A>C. VCF-style: chr10-47322933-A-C. GRCh37 (hg19) VCF-style: chr10-48416429-T-G.
Other names: short protein forms M89L.
Identifiers: ClinVar variation 4071582 (VCV004071582.1).

ClinVar aggregate classification (germline): Uncertain significance (1 of 4 stars; one submission).

gnomAD v4.1: 12 of 1,614,112 alleles (0.00074%); highest among the groups gnomAD compares: Non-Finnish European, 0.001%; no homozygotes.

Submission:

GeneDx
Classification: Uncertain significance. Last evaluated: 2025-01-22. Review status: criteria provided, single submitter. Criteria: GeneDx Variant Classification Process June 2021. Collection method: clinical testing. Allele origin: germline. Affected: yes.
Comment: Has not been previously published as pathogenic or benign to our knowledge; Not observed at significant frequency in large population cohorts (gnomAD); In silico analysis does not support a benign or deleterious effect of this variant on protein structure/function